The following is an entry in ClinVar:

ClinVar aggregate classification (germline): Likely benign (1 of 4 stars; one submission).

Allele frequency attached by ClinVar (database versions not stated): 1000 Genomes Project 0.00140; ExAC 0.00164; gnomAD 0.00169; 1000 Genomes Project 30x 0.00172; TOPMed 0.00182; ESP Exome Variant Server 0.00185; gnomAD exomes 0.00220.
gnomAD v4.1: 3,500 of 1,613,202 alleles (0.22%); highest among the groups gnomAD compares: Admixed American, 0.42%; 11 homozygotes.

Submission:

CeGaT Center for Human Genetics Tuebingen
Classification: Likely benign. Last evaluated: 2022-12-01. Review status: criteria provided, single submitter. Criteria: CeGaT Center For Human Genetics Tuebingen Variant Classification Criteria Version 2. Collection method: clinical testing. Allele origin: germline. Affected: yes. Observed: 1 variant allele.
Comment: TBL3: BP4, BP7, BS2

NM_006453.3(TBL3):c.1581C>T (p.Val527=)

Gene: TBL3 (transducin beta like 3; plus strand). Cytogenetic location: 16p13.3.
Variant type: single nucleotide variant.
Coding change: c.1581C>T on transcript NM_006453.3 (MANE Select); coding-DNA position 1581, C replaced by T.
Protein change: p.Val527=; no amino-acid change (valine 527 retained).
Molecular consequence: synonymous variant.
Genome position (GRCh38, 1-based): chr16:1,977,194, C>T. VCF-style: chr16-1977194-C-T. GRCh37 (hg19) VCF-style: chr16-2027195-C-T.
Identifiers: ClinVar variation 2645959 (VCV002645959.24), dbSNP rs148169075, ClinGen allele CA7825097.